The following is an entry in ClinVar:

ClinVar aggregate classification (germline): Likely pathogenic (1 of 4 stars; one submission).

Conditions:
Nemaline myopathy 2 (NEM2). Also called: Nemaline myopathy 2, autosomal recessive. Identifiers: MedGen C1850569, MONDO:0009725, OMIM 256030.

Submission:

Myriad Genetics, Inc.
Classification: Likely pathogenic for Nemaline myopathy 2. Last evaluated: 2022-03-16. Review status: criteria provided, single submitter. Criteria: Myriad Women's Health Autosomal Recessive and X-Linked Classification Criteria (2021). Collection method: clinical testing. Allele origin: unknown.
Comment: NM_001271208.1(NEB):c.23656delA(S7886Afs*21) is expected to be pathogenic in the context of NEB-related nemaline myopathy. This variant is predicted to lead to an abnormal or absent protein product due to the creation of a premature termination codon in NEB, a gene where loss-of-function variants are known to be pathogenic. Please note: this variant was assessed in the context of healthy population screening.

NM_001164508.2(NEB):c.23551del (p.Ser7851fs)

Genes: NEB (nebulin; minus strand), RIF1 (replication timing regulatory factor 1; plus strand). Cytogenetic location: 2q23.3.
Variant type: Deletion.
Coding change: c.23551del on transcript NM_001164508.2 (MANE Select); coding-DNA position 23551, one base deleted (A; older notation c.23551delA).
Protein change: p.Ser7851fs; shifts the reading frame from serine 7851.
Molecular consequence: frameshift variant.
Genome position (GRCh38, 1-based): chr2:151,506,914, T deleted on the plus strand (A on the coding strand, the reverse complement: NEB is on the minus strand). VCF-style (leftmost placement, unchanged base first): chr2-151506913-CT-C. GRCh37 (hg19) VCF-style: chr2-152363427-CT-C.
Other names: c.23551del, p.Ser7851fs (NM_001164507.2); c.23656del, p.Ser7886fs (NM_001271208.2); c.18448del, p.Ser6150fs (NM_004543.5); short protein forms S6150fs, S7851fs, S7886fs.
Identifiers: ClinVar variation 1725327 (VCV001725327.2), dbSNP rs2552008486, ClinGen allele CA2580063891.
Genomic context (GRCh38, chr2:151,506,913, plus strand): 5'-AGAGGAGAGTGAAATGACTAGGTTAGCATTAAATGCAAAATAAATAGTAAATATACCGAG[CT>C]GAAATTCTTCTGATTTTCTTTTACACGCAGTATTTCTGGCGTGTCTTGAACAACTGTAAT-3'